The following is an entry in ClinVar:

ClinVar aggregate classification (germline): Likely benign. Review status: criteria provided, multiple submitters, no conflicts (2 of 4 stars). 5 submissions from 5 submitters: Likely benign (5). Last evaluated 2026-01-17.

Conditions:
ABCC6-related disorder. Also called: ABCC6-related condition.

Allele frequency attached by ClinVar (database versions not stated): gnomAD 0.00010; ExAC 0.00011; TOPMed 0.00011; ESP Exome Variant Server 0.00015.
gnomAD v4.1: 120 of 1,610,142 alleles (0.0075%); highest among the groups gnomAD compares: Admixed American, 0.035%; no homozygotes.

Submissions (5):

Labcorp Genetics (formerly Invitae), Labcorp
Classification: Likely benign. Last evaluated: 2026-01-17. Review status: criteria provided, single submitter. Criteria: Invitae Variant Classification Sherloc (09022015). Collection method: clinical testing. Allele origin: germline.

PreventionGenetics, part of Exact Sciences
Classification: Likely benign for ABCC6-related condition. Last evaluated: 2025-04-26. Review status: criteria provided, single submitter. Criteria: ACMG Guidelines, 2015. Collection method: clinical testing. Allele origin: germline.
Comment: This variant is classified as likely benign based on ACMG/AMP sequence variant interpretation guidelines (Richards et al. 2015 PMID: 25741868, with internal and published modifications).

Blueprint Genetics
Classification: Likely benign. Last evaluated: 2024-09-19. Review status: criteria provided, single submitter. Criteria: ACMG Guidelines, 2015. Collection method: clinical testing. Allele origin: germline.

CeGaT Center for Human Genetics Tuebingen
Classification: Likely benign. Last evaluated: 2024-07-01. Review status: criteria provided, single submitter. Criteria: CeGaT Center For Human Genetics Tuebingen Variant Classification Criteria Version 2. Collection method: clinical testing. Allele origin: germline. Affected: yes. Observed: 2 variant alleles.
Comment: ABCC6: BP4, BP7

Breakthrough Genomics
Classification: Likely benign. Review status: criteria provided, single submitter. Criteria: ACMG Guidelines, 2015. Collection method: not provided. Allele origin: germline. Inheritance: Autosomal recessive inheritance. Affected: yes.

NM_001171.6(ABCC6):c.4002G>C (p.Gly1334=)

Gene: ABCC6 (ATP binding cassette subfamily C member 6; minus strand). Cytogenetic location: 16p13.11.
Variant type: single nucleotide variant.
Coding change: c.4002G>C on transcript NM_001171.6 (MANE Select); coding-DNA position 4002, G replaced by C.
Protein change: p.Gly1334=; no amino-acid change (glycine 1334 retained).
Molecular consequence: synonymous variant. On other transcripts: non-coding transcript variant (1).
Genome position (GRCh38, 1-based): chr16:16,154,912, C>G on the plus strand (G>C on the coding strand, the complement: ABCC6 is on the minus strand). VCF-style: chr16-16154912-C-G. GRCh37 (hg19) VCF-style: chr16-16248769-C-G.
Other names: c.4002G>C (NM_001171.5); c.3660G>C, p.Gly1220= (NM_001351800.1).
Identifiers: ClinVar variation 425098 (VCV000425098.52), dbSNP rs139128550, ClinGen allele CA7925353.